The following is an entry in ClinVar:

ClinVar aggregate classification (germline): Conflicting classifications of pathogenicity. Review status: criteria provided, conflicting classifications (1 of 4 stars). 3 submissions from 3 submitters: Uncertain significance (2); Likely benign (1). Last evaluated 2023-08-09.

Conditions:
Inborn genetic diseases. Identifiers: MedGen C0950123, MeSH D030342.

Allele frequency attached by ClinVar (database versions not stated): gnomAD exomes below 0.00001; gnomAD 0.00001; TOPMed 0.00002.
gnomAD v4.1: 4 of 1,005,400 alleles (0.0004%); highest among the groups gnomAD compares: East Asian, 0.0098%; no homozygotes.

Submissions (3):

Labcorp Genetics (formerly Invitae), Labcorp
Classification: Uncertain significance. Last evaluated: 2023-08-09. Review status: criteria provided, single submitter. Criteria: Invitae Variant Classification Sherloc (09022015). Collection method: clinical testing. Allele origin: germline.
Comment: Advanced modeling of protein sequence and biophysical properties (such as structural, functional, and spatial information, amino acid conservation, physicochemical variation, residue mobility, and thermodynamic stability) performed at Invitae indicates that this missense variant is not expected to disrupt SMARCA2 protein function. In summary, the available evidence is currently insufficient to determine the role of this variant in disease. Therefore, it has been classified as a Variant of Uncertain Significance. ClinVar contains an entry for this variant (Variation ID: 1302166). This variant has not been reported in the literature in individuals affected with SMARCA2-related conditions. The frequency data for this variant in the population databases is considered unreliable, as metrics indicate insufficient coverage at this position in the gnomAD database. This sequence change replaces alanine, which is neutral and non-polar, with valine, which is neutral and non-polar, at codon 290 of the SMARCA2 protein (p.Ala290Val).

GeneDx
Classification: Uncertain significance. Last evaluated: 2019-05-24. Review status: criteria provided, single submitter. Criteria: GeneDx Variant Classification Process June 2021. Collection method: clinical testing. Allele origin: germline. Affected: yes.
Comment: Not observed in large population cohorts (Lek et al., 2016); In silico analysis, which includes protein predictors and evolutionary conservation, supports that this variant does not alter protein structure/function; Has not been previously published as pathogenic or benign to our knowledge

Ambry Genetics
Classification: Likely benign for Inborn genetic diseases. Last evaluated: 2018-05-29. Review status: criteria provided, single submitter. Criteria: Ambry Variant Classification Scheme 2023. Collection method: clinical testing. Allele origin: germline.

NM_003070.5(SMARCA2):c.869C>T (p.Ala290Val)

Gene: SMARCA2 (SWI/SNF related BAF chromatin remodeling complex subunit ATPase 2; plus strand). Cytogenetic location: 9p24.3.
Variant type: single nucleotide variant.
Coding change: c.869C>T on transcript NM_003070.5 (MANE Select); coding-DNA position 869, C replaced by T.
Protein change: p.Ala290Val; replaces alanine 290 with valine.
Molecular consequence: missense variant.
Genome position (GRCh38, 1-based): chr9:2,047,307, C>T. VCF-style: chr9-2047307-C-T. GRCh37 (hg19) VCF-style: chr9-2047307-C-T.
Other names: c.869C>T, p.Ala290Val (NM_001289396.2, NM_001289397.2, NM_139045.4); short protein forms A290V.
Identifiers: ClinVar variation 1302166 (VCV001302166.8), dbSNP rs1284404989, ClinGen allele CA372780855.